The following is an entry in ClinVar:

ClinVar aggregate classification (germline): Uncertain significance (1 of 4 stars; one submission).

Submission:

Labcorp Genetics (formerly Invitae), Labcorp
Classification: Uncertain significance. Last evaluated: 2023-11-27. Review status: criteria provided, single submitter. Criteria: Invitae Variant Classification Sherloc (09022015). Collection method: clinical testing. Allele origin: germline.
Comment: This sequence change replaces glycine, which is neutral and non-polar, with arginine, which is basic and polar, at codon 416 of the POLR1A protein (p.Gly416Arg). This variant is not present in population databases (gnomAD no frequency). This variant has not been reported in the literature in individuals affected with POLR1A-related conditions. ClinVar contains an entry for this variant (Variation ID: 2113965). Advanced modeling of protein sequence and biophysical properties (such as structural, functional, and spatial information, amino acid conservation, physicochemical variation, residue mobility, and thermodynamic stability) performed at Invitae indicates that this missense variant is expected to disrupt POLR1A protein function with a positive predictive value of 80%. In summary, the available evidence is currently insufficient to determine the role of this variant in disease. Therefore, it has been classified as a Variant of Uncertain Significance.

NM_015425.6(POLR1A):c.1246G>C (p.Gly416Arg)

Gene: POLR1A (RNA polymerase I subunit A; minus strand). Cytogenetic location: 2p11.2.
Variant type: single nucleotide variant.
Coding change: c.1246G>C on transcript NM_015425.6 (MANE Select); coding-DNA position 1246, G replaced by C.
Protein change: p.Gly416Arg; replaces glycine 416 with arginine.
Molecular consequence: missense variant.
Genome position (GRCh38, 1-based): chr2:86,078,125, C>G on the plus strand (G>C on the coding strand, the complement: POLR1A is on the minus strand). VCF-style: chr2-86078125-C-G. GRCh37 (hg19) VCF-style: chr2-86305248-C-G.
Other names: short protein forms G416R.
Identifiers: ClinVar variation 2113965 (VCV002113965.4), dbSNP rs2466441837, ClinGen allele CA347552159.